The following is an entry in ClinVar:

NM_001081550.2(THOC2):c.3215C>T (p.Thr1072Ile)

Gene: THOC2 (THO complex subunit 2; minus strand). Cytogenetic location: Xq25.
Variant type: single nucleotide variant.
Coding change: c.3215C>T on transcript NM_001081550.2 (MANE Select); coding-DNA position 3215, C replaced by T.
Protein change: p.Thr1072Ile; replaces threonine 1072 with isoleucine.
Molecular consequence: missense variant.
Genome position (GRCh38, 1-based): chrX:123,624,163, G>A on the plus strand (C>T on the coding strand, the complement: THOC2 is on the minus strand). VCF-style: chrX-123624163-G-A. GRCh37 (hg19) VCF-style: chrX-122758014-G-A.
Other names: short protein forms T1072I.
Identifiers: ClinVar variation 3349329 (VCV003349329.1).

ClinVar aggregate classification (germline): Likely pathogenic (0 of 4 stars; one submission).

Conditions:
THOC2-related disorder. Also called: THOC2-related condition.

Submission:

PreventionGenetics, part of Exact Sciences
Classification: Likely pathogenic for THOC2-related condition. Last evaluated: 2024-03-18. Review status: no assertion criteria provided. Collection method: clinical testing. Allele origin: germline.
Comment: The THOC2 c.3215C>T variant is predicted to result in the amino acid substitution p.Thr1072Ile. To our knowledge, this variant has not been reported in the literature or in a large population database, indicating this variant is rare. This variant is interpreted as likely pathogenic.